The following is an entry in ClinVar:

NM_001372044.2(SHANK3):c.4264C>T (p.Pro1422Ser)

Gene: SHANK3 (SH3 and multiple ankyrin repeat domains 3; plus strand). Cytogenetic location: 22q13.33.
Variant type: single nucleotide variant.
Coding change: c.4264C>T on transcript NM_001372044.2 (MANE Select); coding-DNA position 4264, C replaced by T.
Protein change: p.Pro1422Ser; replaces proline 1422 with serine.
Molecular consequence: missense variant.
Genome position (GRCh38, 1-based): chr22:50,721,872, C>T. VCF-style: chr22-50721872-C-T. GRCh37 (hg19) VCF-style: chr22-51160300-C-T.
Other names: c.4039C>T (NM_033517.1); short protein forms P1422S.
Identifiers: ClinVar variation 1695708 (VCV001695708.2), dbSNP rs1398660041, ClinGen allele CA515263761.

ClinVar aggregate classification (germline): Uncertain significance (1 of 4 stars; one submission).

Allele frequency attached by ClinVar (database versions not stated): TOPMed 0.00001.

Submission:

GeneDx
Classification: Uncertain significance. Last evaluated: 2022-01-11. Review status: criteria provided, single submitter. Criteria: GeneDx Variant Classification Process June 2021. Collection method: clinical testing. Allele origin: germline. Affected: yes.
Comment: In silico analysis supports that this missense variant has a deleterious effect on protein structure/function; Has not been previously published as pathogenic or benign to our knowledge